The following is an entry in ClinVar:

NM_004525.3(LRP2):c.8466C>A (p.Cys2822Ter)

Gene: LRP2 (LDL receptor related protein 2; minus strand). Cytogenetic location: 2q31.1.
Variant type: single nucleotide variant.
Coding change: c.8466C>A on transcript NM_004525.3 (MANE Select); coding-DNA position 8466, C replaced by A.
Protein change: p.Cys2822Ter; replaces cysteine 2822 with a stop codon.
Molecular consequence: nonsense.
Genome position (GRCh38, 1-based): chr2:169,198,898, G>T on the plus strand (C>A on the coding strand, the complement: LRP2 is on the minus strand). VCF-style: chr2-169198898-G-T. GRCh37 (hg19) VCF-style: chr2-170055408-G-T.
Other names: short protein forms C2822*.
Identifiers: ClinVar variation 4729057 (VCV004729057.1).

ClinVar aggregate classification (germline): Pathogenic (1 of 4 stars; one submission).

Submission:

Labcorp Genetics (formerly Invitae), Labcorp
Classification: Pathogenic. Last evaluated: 2025-10-12. Review status: criteria provided, single submitter. Criteria: Invitae Variant Classification Sherloc (09022015). Collection method: clinical testing. Allele origin: germline.
Comment: This sequence change creates a premature translational stop signal (p.Cys2822*) in the LRP2 gene. It is expected to result in an absent or disrupted protein product. Loss-of-function variants in LRP2 are known to be pathogenic (PMID: 17632512, 25682901). This variant is not present in population databases (gnomAD no frequency). This variant has not been reported in the literature in individuals affected with LRP2-related conditions. For these reasons, this variant has been classified as Pathogenic.

Literature cited by the submitters: PubMed 17632512; PubMed 25682901.